The following is an entry in ClinVar:

NM_000065.5(C6):c.2105C>T (p.Thr702Met)

Gene: C6 (complement C6; minus strand). Cytogenetic location: 5p13.1.
Variant type: single nucleotide variant.
Coding change: c.2105C>T on transcript NM_000065.5 (MANE Select); coding-DNA position 2105, C replaced by T.
Protein change: p.Thr702Met; replaces threonine 702 with methionine.
Molecular consequence: missense variant.
Genome position (GRCh38, 1-based): chr5:41,153,995, G>A on the plus strand (C>T on the coding strand, the complement: C6 is on the minus strand). VCF-style: chr5-41153995-G-A. GRCh37 (hg19) VCF-style: chr5-41154097-G-A.
Other names: c.2105C>T (NM_000065.2); c.2105C>T, p.Thr702Met (NM_001115131.4); short protein forms T702M.
Identifiers: ClinVar variation 1436325 (VCV001436325.6), dbSNP rs759974891, ClinGen allele CA3252201.

ClinVar aggregate classification (germline): Uncertain significance. Review status: criteria provided, multiple submitters, no conflicts (2 of 4 stars). 2 submissions from 2 submitters: Uncertain significance (2). Last evaluated 2025-08-13.

Conditions:
Inborn genetic diseases. Identifiers: MedGen C0950123, MeSH D030342.

Allele frequency attached by ClinVar (database versions not stated): gnomAD 0.00003 and 0.00005; ExAC 0.00004; gnomAD exomes 0.00004; TOPMed 0.00006.
gnomAD v4.1: 46 of 1,613,002 alleles (0.0029%); highest among the groups gnomAD compares: Middle Eastern, 0.017%; no homozygotes.

Submissions (2):

Ambry Genetics
Classification: Uncertain significance for Inborn genetic diseases. Last evaluated: 2025-08-13. Review status: criteria provided, single submitter. Criteria: Ambry Variant Classification Scheme 2023. Collection method: clinical testing. Allele origin: germline.

Labcorp Genetics (formerly Invitae), Labcorp
Classification: Uncertain significance. Last evaluated: 2023-11-28. Review status: criteria provided, single submitter. Criteria: Invitae Variant Classification Sherloc (09022015). Collection method: clinical testing. Allele origin: germline.
Comment: This sequence change replaces threonine, which is neutral and polar, with methionine, which is neutral and non-polar, at codon 702 of the C6 protein (p.Thr702Met). This variant is present in population databases (rs759974891, gnomAD 0.007%). This variant has not been reported in the literature in individuals affected with C6-related conditions. ClinVar contains an entry for this variant (Variation ID: 1436325). Algorithms developed to predict the effect of missense changes on protein structure and function output the following: SIFT: "Not Available"; PolyPhen-2: "Benign"; Align-GVGD: "Not Available". The methionine amino acid residue is found in multiple mammalian species, which suggests that this missense change does not adversely affect protein function. In summary, the available evidence is currently insufficient to determine the role of this variant in disease. Therefore, it has been classified as a Variant of Uncertain Significance.